The following is an entry in ClinVar:

NM_001099271.2(POC5):c.1664T>C (p.Leu555Pro)

Gene: POC5 (POC5 centriolar protein; minus strand). Cytogenetic location: 5q13.3.
Variant type: single nucleotide variant.
Coding change: c.1664T>C on transcript NM_001099271.2 (MANE Select); coding-DNA position 1664, T replaced by C.
Protein change: p.Leu555Pro; replaces leucine 555 with proline.
Molecular consequence: missense variant.
Genome position (GRCh38, 1-based): chr5:75,674,499, A>G on the plus strand (T>C on the coding strand, the complement: POC5 is on the minus strand). VCF-style: chr5-75674499-A-G. GRCh37 (hg19) VCF-style: chr5-74970324-A-G.
Other names: c.1664T>C (NM_001099271.1); c.1589T>C, p.Leu530Pro (NM_152408.3); short protein forms L555P, L530P.
Identifiers: ClinVar variation 1496654 (VCV001496654.7), dbSNP rs1447488183, ClinGen allele CA360154374.

ClinVar aggregate classification (germline): Uncertain significance. Review status: criteria provided, multiple submitters, no conflicts (2 of 4 stars). 2 submissions from 2 submitters: Uncertain significance (2). Last evaluated 2025-01-14.

Allele frequency attached by ClinVar (database versions not stated): gnomAD exomes below 0.00001; gnomAD 0.00001; TOPMed 0.00001.
gnomAD v4.1: 4 of 1,613,880 alleles (0.00025%); highest among the groups gnomAD compares: Non-Finnish European, 0.00034%; no homozygotes.

Submissions (2):

Ambry Genetics
Classification: Uncertain significance. Last evaluated: 2025-01-14. Review status: criteria provided, single submitter. Criteria: Ambry Variant Classification Scheme 2023. Collection method: clinical testing. Allele origin: germline.

Labcorp Genetics (formerly Invitae), Labcorp
Classification: Uncertain significance. Last evaluated: 2024-10-29. Review status: criteria provided, single submitter. Criteria: Invitae Variant Classification Sherloc (09022015). Collection method: clinical testing. Allele origin: germline.
Comment: This sequence change replaces leucine with proline at codon 555 of the POC5 protein (p.Leu555Pro). There is a moderate physicochemical difference between leucine and proline. This variant is not present in population databases (gnomAD no frequency). This variant has not been reported in the literature in individuals affected with POC5-related conditions. ClinVar contains an entry for this variant (Variation ID: 1496654). An algorithm developed to predict the effect of missense changes on protein structure and function (PolyPhen-2) suggests that this variant is likely to be disruptive. In summary, the available evidence is currently insufficient to determine the role of this variant in disease. Therefore, it has been classified as a Variant of Uncertain Significance.